The following is an entry in ClinVar:

ClinVar aggregate classification (germline): Pathogenic/Likely pathogenic. Review status: criteria provided, multiple submitters, no conflicts (2 of 4 stars). 3 submissions from 3 submitters: Pathogenic (1); Likely pathogenic (2). Last evaluated 2023-04-11.

Conditions:
Microcephaly 5, primary, autosomal recessive (MCPH5). Also called: ASPM Primary Microcephaly. Identifiers: Orphanet 2512, MedGen C1837501, MONDO:0012106, OMIM 608716.

gnomAD v4.1: 1 of 1,613,854 alleles (0.000062%); highest among the groups gnomAD compares: Non-Finnish European, 0.000085%; no homozygotes.

Submissions (3):

Genome-Nilou Lab
Classification: Likely pathogenic for Microcephaly 5, primary, autosomal recessive. Last evaluated: 2023-04-11. Review status: criteria provided, single submitter. Criteria: ACMG Guidelines, 2015. Collection method: clinical testing. Allele origin: germline. Affected: no.

Institute of Medical Genetics and Applied Genomics, University Hospital Tübingen
Classification: Pathogenic. Last evaluated: 2020-10-23. Review status: criteria provided, single submitter. Criteria: ACMG Guidelines, 2015. Collection method: clinical testing. Allele origin: germline. Inheritance: Autosomal recessive inheritance. Affected: yes.

GeneDx
Classification: Likely pathogenic. Last evaluated: 2016-12-08. Review status: criteria provided, single submitter. Criteria: GeneDx Variant Classification (06012015). Collection method: clinical testing. Allele origin: germline. Affected: yes.
Comment: A novel Y558X variant that is likely pathogenic has been identified in the ASPM gene. The Y558X variant has not been published as a pathogenic variant, nor has it been reported as a benign variant to our knowledge. The ASPM variant is not observed in large population cohorts (Lek et al., 2016; 1000 Genomes Consortium et al., 2015; Exome Variant Server). The Y558X nonsense variant in the ASPM gene is predicted to cause loss of normal protein function either through protein truncation or nonsense-mediated mRNA decay. Therefore, this variant is likely pathogenic; however, the possibility that it is benign cannot be excluded.

NM_018136.5(ASPM):c.1674T>A (p.Tyr558Ter)

Gene: ASPM (assembly factor for spindle microtubules; minus strand). Cytogenetic location: 1q31.3.
Variant type: single nucleotide variant.
Coding change: c.1674T>A on transcript NM_018136.5 (MANE Select); coding-DNA position 1674, T replaced by A.
Protein change: p.Tyr558Ter; replaces tyrosine 558 with a stop codon.
Molecular consequence: nonsense.
Genome position (GRCh38, 1-based): chr1:197,142,578, A>T on the plus strand (T>A on the coding strand, the complement: ASPM is on the minus strand). VCF-style: chr1-197142578-A-T. GRCh37 (hg19) VCF-style: chr1-197111708-A-T.
Other names: c.1674T>A, p.Tyr558Ter (NM_001206846.2); short protein forms Y558*.
Identifiers: ClinVar variation 373699 (VCV000373699.3), dbSNP rs933106143, ClinGen allele CA16042323.
Genomic context (GRCh38, chr1:197,142,578, plus strand): 5'-ATCGCTCTTTCTTTTCCGAGCAACTGAAGCTGTTGTCGAAGAGGGTGTTACCTCGTTTTT[A>T]TAACTCTTAGATTTACTTAATATTGGATCTATAATTGGAAGATAAGAATGAAAATCTTCT-3'